The following is an entry in ClinVar:

NM_000465.4(BARD1):c.7del (p.Asp3fs)

Gene: BARD1 (BRCA1 associated RING domain 1; minus strand). Cytogenetic location: 2q35.
Variant type: Deletion.
Coding change: c.7del on transcript NM_000465.4 (MANE Select); coding-DNA position 7, one base deleted (G; older notation c.7delG).
Protein change: p.Asp3fs; shifts the reading frame from aspartic acid 3.
Molecular consequence: frameshift variant. On other transcripts: non-coding transcript variant (3).
Genome position (GRCh38, 1-based): chr2:214,809,563, C deleted on the plus strand (G on the coding strand, the reverse complement: BARD1 is on the minus strand); the first of 2 consecutive C bases (chr2:214,809,563-214,809,564); deleting either gives the same sequence. VCF-style (leftmost placement, unchanged base first): chr2-214809562-TC-T. GRCh37 (hg19) VCF-style: chr2-215674286-TC-T.
Other names: c.7del, p.Asp3fs (NM_001282543.2, NM_001282545.2, NM_001282548.2 and 1 more transcripts); short protein forms D3fs.
Identifiers: ClinVar variation 4813042 (VCV004813042.1).

ClinVar aggregate classification (germline): Pathogenic (1 of 4 stars; one submission).

Conditions:
Familial cancer of breast. Also called: Hereditary breast cancer; BREAST CANCER, FAMILIAL; hereditary breast carcinoma. Identifiers: Orphanet 227535, MedGen C0346153, MONDO:0016419, OMIM 114480. Disease mechanism: loss of function.

Submission:

Myriad Genetics, Inc.
Classification: Pathogenic for Familial cancer of breast. Last evaluated: 2025-12-04. Review status: criteria provided, single submitter. Criteria: Myriad Autosomal Dominant, Autosomal Recessive and X-Linked Classification Criteria (2023). Collection method: clinical testing. Allele origin: unknown.
Comment: This variant is considered pathogenic. This variant creates a frameshift predicted to result in premature protein truncation.